The following is an entry in ClinVar:

NC_000004.12:g.109912800C>T

Gene: EGF (epidermal growth factor; plus strand). Cytogenetic location: 4q25.
Variant type: single nucleotide variant.
Genome position: GRCh38 VCF-style: chr4-109912800-C-T. GRCh37 (hg19) VCF-style: chr4-110833956-C-T.
Identifiers: ClinVar variation 3602225 (VCV003602225.1).

ClinVar aggregate classification (germline): Likely benign (1 of 4 stars; one submission).

Submission:

GeneDx
Classification: Likely benign. Last evaluated: 2021-11-23. Review status: criteria provided, single submitter. Criteria: GeneDx Variant Classification Process June 2021. Collection method: clinical testing. Allele origin: germline. Affected: yes.
Comment: See Variant Classification Assertion Criteria.